The following is an entry in ClinVar:

ClinVar aggregate classification (germline): Uncertain significance (1 of 4 stars; one submission).

Conditions:
Adenylosuccinate lyase deficiency (ADSLD). Also called: ADSL DEFICIENCY. Identifiers: Orphanet 46, MedGen C0268126, MONDO:0007068, OMIM 103050.

Allele frequency attached by ClinVar (database versions not stated): gnomAD exomes below 0.00001.

Submission:

Labcorp Genetics (formerly Invitae), Labcorp
Classification: Uncertain significance for Adenylosuccinate lyase deficiency. Last evaluated: 2024-12-02. Review status: criteria provided, single submitter. Criteria: Invitae Variant Classification Sherloc (09022015). Collection method: clinical testing. Allele origin: germline.
Comment: This sequence change replaces isoleucine, which is neutral and non-polar, with valine, which is neutral and non-polar, at codon 238 of the ADSL protein (p.Ile238Val). This variant is not present in population databases (gnomAD no frequency). This variant has not been reported in the literature in individuals affected with ADSL-related conditions. ClinVar contains an entry for this variant (Variation ID: 1474315). Invitae Evidence Modeling of protein sequence and biophysical properties (such as structural, functional, and spatial information, amino acid conservation, physicochemical variation, residue mobility, and thermodynamic stability) indicates that this missense variant is not expected to disrupt ADSL protein function with a negative predictive value of 80%. In summary, the available evidence is currently insufficient to determine the role of this variant in disease. Therefore, it has been classified as a Variant of Uncertain Significance.

NM_000026.4(ADSL):c.712A>G (p.Ile238Val)

Gene: ADSL (adenylosuccinate lyase; plus strand). Cytogenetic location: 22q13.1.
Variant type: single nucleotide variant.
Coding change: c.712A>G on transcript NM_000026.4 (MANE Select); coding-DNA position 712, A replaced by G.
Protein change: p.Ile238Val; replaces isoleucine 238 with valine.
Molecular consequence: missense variant. On other transcripts: non-coding transcript variant (1).
Genome position (GRCh38, 1-based): chr22:40,360,412, A>G. VCF-style: chr22-40360412-A-G. GRCh37 (hg19) VCF-style: chr22-40756416-A-G.
Other names: c.712A>G, p.Ile238Val (NM_001123378.3, NM_001363840.3); c.520A>G, p.Ile174Val (NM_001317923.2); short protein forms I174V, I238V.
Identifiers: ClinVar variation 1474315 (VCV001474315.8), dbSNP rs2146658688, ClinGen allele CA411642437.